The following is an entry in ClinVar:

NM_032888.4(COL27A1):c.743C>T (p.Pro248Leu)

Gene: COL27A1 (collagen type XXVII alpha 1 chain; plus strand). Cytogenetic location: 9q32.
Variant type: single nucleotide variant.
Coding change: c.743C>T on transcript NM_032888.4 (MANE Select); coding-DNA position 743, C replaced by T.
Protein change: p.Pro248Leu; replaces proline 248 with leucine.
Molecular consequence: missense variant.
Genome position (GRCh38, 1-based): chr9:114,168,298, C>T. VCF-style: chr9-114168298-C-T. GRCh37 (hg19) VCF-style: chr9-116930578-C-T.
Other names: short protein forms P248L.
Identifiers: ClinVar variation 4748751 (VCV004748751.1).

ClinVar aggregate classification (germline): Uncertain significance (1 of 4 stars; one submission).

gnomAD v4.1: 5 of 1,613,490 alleles (0.00031%); highest among the groups gnomAD compares: South Asian, 0.0022%; no homozygotes.

Submission:

Labcorp Genetics (formerly Invitae), Labcorp
Classification: Uncertain significance. Last evaluated: 2025-09-01. Review status: criteria provided, single submitter. Criteria: Invitae Variant Classification Sherloc (09022015). Collection method: clinical testing. Allele origin: germline.
Comment: This sequence change replaces proline, which is neutral and non-polar, with leucine, which is neutral and non-polar, at codon 248 of the COL27A1 protein (p.Pro248Leu). This variant is not present in population databases (gnomAD no frequency). This variant has not been reported in the literature in individuals affected with COL27A1-related conditions. Invitae Evidence Modeling of protein sequence and biophysical properties (such as structural, functional, and spatial information, amino acid conservation, physicochemical variation, residue mobility, and thermodynamic stability) indicates that this missense variant is not expected to disrupt COL27A1 protein function with a negative predictive value of 95%. In summary, the available evidence is currently insufficient to determine the role of this variant in disease. Therefore, it has been classified as a Variant of Uncertain Significance.